The following is an entry in ClinVar:

ClinVar aggregate classification (germline): Benign/Likely benign. Review status: criteria provided, multiple submitters, no conflicts (2 of 4 stars). 2 submissions from 2 submitters: Benign (1); Likely benign (1). Last evaluated 2024-12-17.

gnomAD v4.1: 205 of 1,614,092 alleles (0.013%); highest among the groups gnomAD compares: Middle Eastern, 0.15%; 3 homozygotes.

Submissions (2):

Labcorp Genetics (formerly Invitae), Labcorp
Classification: Benign. Last evaluated: 2024-12-17. Review status: criteria provided, single submitter. Criteria: Invitae Variant Classification Sherloc (09022015). Collection method: clinical testing. Allele origin: germline.

CeGaT Center for Human Genetics Tuebingen
Classification: Likely benign. Last evaluated: 2024-11-01. Review status: criteria provided, single submitter. Criteria: CeGaT Center For Human Genetics Tuebingen Variant Classification Criteria Version 2. Collection method: clinical testing. Allele origin: germline. Affected: yes. Observed: 1 variant allele.
Comment: CNOT1: BP4, BP7

NM_016284.5(CNOT1):c.2586A>G (p.Pro862=)

Gene: CNOT1 (CCR4-NOT transcription complex subunit 1; minus strand). Cytogenetic location: 16q21.
Variant type: single nucleotide variant.
Coding change: c.2586A>G on transcript NM_016284.5 (MANE Select); coding-DNA position 2586, A replaced by G.
Protein change: p.Pro862=; no amino-acid change (proline 862 retained).
Molecular consequence: synonymous variant. On other transcripts: non-coding transcript variant (1).
Genome position (GRCh38, 1-based): chr16:58,555,802, T>C on the plus strand (A>G on the coding strand, the complement: CNOT1 is on the minus strand). VCF-style: chr16-58555802-T-C. GRCh37 (hg19) VCF-style: chr16-58589706-T-C.
Other names: c.2571A>G, p.Pro857= (NM_001265612.2); c.2586A>G, p.Pro862= (NM_206999.3).
Identifiers: ClinVar variation 3388209 (VCV003388209.16).